The following is an entry in ClinVar:

ClinVar aggregate classification (germline): Benign (1 of 4 stars; one submission).

Allele frequency attached by ClinVar (database versions not stated): gnomAD 0.54280; TOPMed 0.57054; 1000 Genomes Project 0.57827; 1000 Genomes Project 30x 0.58354.
gnomAD v4.1: 83,967 of 151,976 alleles (55%); highest among the groups gnomAD compares: African/African-American, 66%; 23,969 homozygotes.

Submission:

GeneDx
Classification: Benign. Last evaluated: 2018-06-14. Review status: criteria provided, single submitter. Criteria: GeneDx Variant Classification (06012015). Collection method: clinical testing. Allele origin: germline. Affected: yes.
Comment: This variant is considered likely benign or benign based on one or more of the following criteria: it is a conservative change, it occurs at a poorly conserved position in the protein, it is predicted to be benign by multiple in silico algorithms, and/or has population frequency not consistent with disease.

NM_020297.4(ABCC9):c.2867-342A>C

Gene: ABCC9 (ATP binding cassette subfamily C member 9; minus strand). Cytogenetic location: 12p12.1.
Variant type: single nucleotide variant.
Coding change: c.2867-342A>C on transcript NM_020297.4 (MANE Select); 342 bases into the intron before coding-DNA position 2867, A replaced by C.
Molecular consequence: intron variant.
Genome position (GRCh38, 1-based): chr12:21,846,174, T>G on the plus strand (A>C on the coding strand, the complement: ABCC9 is on the minus strand). VCF-style: chr12-21846174-T-G. GRCh37 (hg19) VCF-style: chr12-21999108-T-G.
Other names: c.2000-342A>C (NM_001377274.1); c.2867-342A>C (NM_005691.4, NM_001377273.1).
Identifiers: ClinVar variation 681191 (VCV000681191.1), dbSNP rs829079, ClinGen allele CA233595530.